The following is an entry in ClinVar:

ClinVar aggregate classification (germline): Pathogenic (1 of 4 stars; one submission).

Submission:

ISCA Site 6
Classification: Pathogenic. Last evaluated: 2011-08-12. Review status: criteria provided, single submitter. Criteria: Kaminsky et al. (Genet Med. 2011). Collection method: clinical testing. Allele origin: de novo. Affected: yes. Observed: 1 variant allele.
Comment: Copy number variation identified through the course of routine clinical cytogenomic testing in postnatal populations. Clinical assertions have been curated as described in Kaminsky et al. 2011.

GRCh38/hg38 1p36.33-36.32(chr1:872305-4133409)x1

Genes: LRRC47 (leucine rich repeat containing 47; minus strand), MEGF6 (multiple EGF like domains 6; minus strand), MIB2 (MIB E3 ubiquitin protein ligase 2; plus strand), MIR200A (microRNA 200a; plus strand), MIR200B (microRNA 200b; plus strand) and 317 more. Cytogenetic location: 1p36.33-36.32.
Variant type: copy number loss.
Change: copy number 1 (one copy instead of two) of chr1:872,305-4,133,409 (3.26 Mb, GRCh38 coordinates, 1-based), cytogenetic band 1p36.33-36.32.
Identifiers: ClinVar variation 58314 (VCV000058314.2).